The following is an entry in ClinVar:

ClinVar aggregate classification (germline): Uncertain significance (1 of 4 stars; one submission).

Conditions:
Inborn genetic diseases. Identifiers: MedGen C0950123, MeSH D030342.

Submission:

Ambry Genetics
Classification: Uncertain significance for Inborn genetic diseases. Last evaluated: 2025-02-03. Review status: criteria provided, single submitter. Criteria: Ambry Variant Classification Scheme 2023. Collection method: clinical testing. Allele origin: germline.
Comment: The p.L588I variant (also known as c.1762C>A), located in coding exon 19 of the FANCA gene, results from a C to A substitution at nucleotide position 1762. The leucine at codon 588 is replaced by isoleucine, an amino acid with highly similar properties. This amino acid position is conserved. In addition, this alteration is predicted to be deleterious by in silico analysis. Based on the available evidence, the clinical significance of this variant remains unclear.

NM_000135.4(FANCA):c.1762C>A (p.Leu588Ile)

Gene: FANCA (FA complementation group A; minus strand). Cytogenetic location: 16q24.3.
Variant type: single nucleotide variant.
Coding change: c.1762C>A on transcript NM_000135.4 (MANE Select); coding-DNA position 1762, C replaced by A.
Protein change: p.Leu588Ile; replaces leucine 588 with isoleucine.
Molecular consequence: missense variant.
Genome position (GRCh38, 1-based): chr16:89,778,957, G>T on the plus strand (C>A on the coding strand, the complement: FANCA is on the minus strand). VCF-style: chr16-89778957-G-T. GRCh37 (hg19) VCF-style: chr16-89845365-G-T.
Other names: c.1762C>A, p.Leu588Ile (NM_001286167.3); short protein forms L588I.
Identifiers: ClinVar variation 3848175 (VCV003848175.1).